The following is an entry in ClinVar:

ClinVar aggregate classification (germline): Uncertain significance. Review status: criteria provided, multiple submitters, no conflicts (2 of 4 stars). 2 submissions from 2 submitters: Uncertain significance (2). Last evaluated 2023-11-15.

Conditions:
Hereditary cancer-predisposing syndrome. Also called: Hereditary Cancer Syndrome; Tumor predisposition; Hereditary neoplastic syndrome; Neoplastic Syndromes, Hereditary. Identifiers: Orphanet 140162, MedGen C0027672, MeSH D009386, MONDO:0015356.
Familial adenomatous polyposis 1 (FAP1). Also called: POLYPOSIS, ADENOMATOUS INTESTINAL; FAMILIAL ADENOMATOUS POLYPOSIS 1, ATTENUATED. Identifiers: MedGen C2713442, MONDO:0021056, OMIM 175100. Disease mechanism: loss of function.

Submissions (2):

Ambry Genetics
Classification: Uncertain significance for Hereditary cancer-predisposing syndrome. Last evaluated: 2023-11-15. Review status: criteria provided, single submitter. Criteria: Ambry Variant Classification Scheme 2023. Collection method: clinical testing. Allele origin: germline.
Comment: The p.E911K variant (also known as c.2731G>A), located in coding exon 15 of the APC gene, results from a G to A substitution at nucleotide position 2731. The glutamic acid at codon 911 is replaced by lysine, an amino acid with similar properties. This amino acid position is not well conserved in available vertebrate species. In addition, in silico predictors for this gene do not accurately predict pathogenicity. Since supporting evidence is limited at this time, the clinical significance of this alteration remains unclear.

Labcorp Genetics (formerly Invitae), Labcorp
Classification: Uncertain significance for Familial adenomatous polyposis 1. Last evaluated: 2022-10-11. Review status: criteria provided, single submitter. Criteria: Invitae Variant Classification Sherloc (09022015). Collection method: clinical testing. Allele origin: germline.
Comment: In summary, the available evidence is currently insufficient to determine the role of this variant in disease. Therefore, it has been classified as a Variant of Uncertain Significance. Advanced modeling of protein sequence and biophysical properties (such as structural, functional, and spatial information, amino acid conservation, physicochemical variation, residue mobility, and thermodynamic stability) performed at Invitae indicates that this missense variant is not expected to disrupt APC protein function. ClinVar contains an entry for this variant (Variation ID: 1417738). This variant has not been reported in the literature in individuals affected with APC-related conditions. This variant is not present in population databases (gnomAD no frequency). This sequence change replaces glutamic acid, which is acidic and polar, with lysine, which is basic and polar, at codon 911 of the APC protein (p.Glu911Lys).

NM_000038.6(APC):c.2731G>A (p.Glu911Lys)

Gene: APC (APC regulator of Wnt signaling pathway; plus strand). Cytogenetic location: 5q22.2.
Variant type: single nucleotide variant.
Coding change: c.2731G>A on transcript NM_000038.6 (MANE Select); coding-DNA position 2731, G replaced by A.
Protein change: p.Glu911Lys; replaces glutamic acid 911 with lysine.
Molecular consequence: missense variant.
Genome position (GRCh38, 1-based): chr5:112,838,325, G>A. VCF-style: chr5-112838325-G-A. GRCh37 (hg19) VCF-style: chr5-112174022-G-A.
Other names: c.2731G>A, p.Glu911Lys (NM_001127510.3, NM_001354895.2); c.2677G>A, p.Glu893Lys (NM_001127511.3); c.2785G>A, p.Glu929Lys (NM_001354896.2); c.2761G>A, p.Glu921Lys (NM_001354897.2); c.2656G>A, p.Glu886Lys (NM_001354898.2); c.2647G>A, p.Glu883Lys (NM_001354899.2); c.2608G>A, p.Glu870Lys (NM_001354900.2); c.2554G>A, p.Glu852Lys (NM_001354901.2); and 6 more; short protein forms E751K, E852K, E883K, E911K, E921K, E820K, E870K, E886K.
Identifiers: ClinVar variation 1417738 (VCV001417738.7), dbSNP rs398123119, ClinGen allele CA16027286.